The following is an entry in ClinVar:

NM_000548.5(TSC2):c.1164G>T (p.Leu388Phe)

Gene: TSC2 (TSC complex subunit 2; plus strand). Cytogenetic location: 16p13.3.
Variant type: single nucleotide variant.
Coding change: c.1164G>T on transcript NM_000548.5 (MANE Select); coding-DNA position 1164, G replaced by T.
Protein change: p.Leu388Phe; replaces leucine 388 with phenylalanine.
Molecular consequence: missense variant. On other transcripts: 5 prime UTR variant (10), non-coding transcript variant (5).
Genome position (GRCh38, 1-based): chr16:2,061,915, G>T. VCF-style: chr16-2061915-G-T. GRCh37 (hg19) VCF-style: chr16-2111916-G-T.
Other names: c.1164G>T, p.Leu388Phe (NM_001077183.3, NM_001114382.3, NM_001363528.2 and 6 more transcripts); c.1053G>T, p.Leu351Phe (NM_001318827.2, NM_001406670.1, NM_001406678.1); c.1017G>T, p.Leu339Phe (NM_001318829.2, NM_001406675.1, NM_001406676.1 and 1 more transcripts); c.564G>T, p.Leu188Phe (NM_001318831.2, NM_001406680.1, NM_001406682.1 and 6 more transcripts); c.1197G>T, p.Leu399Phe (NM_001318832.2); c.1254G>T, p.Leu418Phe (NM_001406667.1, NM_001406668.1); c.1152G>T, p.Leu384Phe (NM_001406671.1, NM_001406673.1); c.1107G>T, p.Leu369Phe (NM_001406677.1); and 4 more; short protein forms L339F, L384F, L388F, L399F, L188F, L234F, L369F, L351F.
Identifiers: ClinVar variation 2564666 (VCV002564666.2), dbSNP rs1416852086, ClinGen allele CA394320249.

ClinVar aggregate classification (germline): Uncertain significance (1 of 4 stars; one submission).

Conditions:
Hereditary cancer-predisposing syndrome. Also called: Neoplastic Syndromes, Hereditary; Hereditary Cancer Syndrome; Hereditary neoplastic syndrome; Tumor predisposition. Identifiers: Orphanet 140162, MedGen C0027672, MeSH D009386, MONDO:0015356.

Submission:

Ambry Genetics
Classification: Uncertain significance for Hereditary cancer-predisposing syndrome. Last evaluated: 2023-04-18. Review status: criteria provided, single submitter. Criteria: Ambry Variant Classification Scheme 2023. Collection method: clinical testing. Allele origin: germline.
Comment: The p.L388F variant (also known as c.1164G>T), located in coding exon 11 of the TSC2 gene, results from a G to T substitution at nucleotide position 1164. The leucine at codon 388 is replaced by phenylalanine, an amino acid with highly similar properties. This amino acid position is conserved. In addition, the in silico prediction for this alteration is inconclusive. Since supporting evidence is limited at this time, the clinical significance of this alteration remains unclear.